The following is an entry in ClinVar:

NM_000069.3(CACNA1S):c.4717A>T (p.Thr1573Ser)

Gene: CACNA1S (calcium voltage-gated channel subunit alpha1 S; minus strand). Cytogenetic location: 1q32.1.
Variant type: single nucleotide variant.
Coding change: c.4717A>T on transcript NM_000069.3 (MANE Select); coding-DNA position 4717, A replaced by T.
Protein change: p.Thr1573Ser; replaces threonine 1573 with serine.
Molecular consequence: missense variant.
Genome position (GRCh38, 1-based): chr1:201,044,408, T>A on the plus strand (A>T on the coding strand, the complement: CACNA1S is on the minus strand). VCF-style: chr1-201044408-T-A. GRCh37 (hg19) VCF-style: chr1-201013536-T-A.
Other names: short protein forms T1573S.
Identifiers: ClinVar variation 1470215 (VCV001470215.12), dbSNP rs147007610, ClinGen allele CA083553.

ClinVar aggregate classification (germline): Uncertain significance. Review status: criteria provided, multiple submitters, no conflicts (2 of 4 stars). 9 submissions from 6 submitters: Uncertain significance (9). Last evaluated 2025-11-25.

Conditions:
Congenital myopathy 18. Also called: Myopathy, congenital, due to dihydropyridine receptor defect; DIHYDROPYRIDINE RECEPTOR CONGENITAL MYOPATHY; DHPR CONGENITAL MYOPATHY. Identifiers: MedGen C5830283, MONDO:0859514, OMIM 620246.
Hypokalemic periodic paralysis, type 1. Also called: HypoPP; Hypokalemic Periodic Paralysis Type 1 (AD). Identifiers: Orphanet 681, MedGen C3714580, MONDO:0042979, OMIM 170400.
Malignant hyperthermia, susceptibility to, 5 (MHS5). Also called: CACNA1S-Related Malignant Hyperthermia Susceptibility. Identifiers: Orphanet 423, MedGen C1866077, MONDO:0011163, OMIM 601887.
Thyrotoxic periodic paralysis, susceptibility to, 1 (TTPP1). Identifiers: Orphanet 79102, MedGen C2749982, MONDO:0008570, OMIM 188580.

Allele frequency attached by ClinVar (database versions not stated): ExAC 0.00001; gnomAD 0.00001 and 0.00002; gnomAD exomes 0.00001; TOPMed 0.00002; ESP Exome Variant Server 0.00008.
gnomAD v4.1: 17 of 1,613,538 alleles (0.0011%); highest among the groups gnomAD compares: Middle Eastern, 0.12%; no homozygotes.

Submissions (9):

GeneDx
Classification: Uncertain significance. Last evaluated: 2025-11-25. Review status: criteria provided, single submitter. Criteria: GeneDx Variant Classification Process June 2021. Collection method: clinical testing. Allele origin: germline. Affected: yes.
Comment: Not observed at significant frequency in large population cohorts (gnomAD); In silico analysis suggests that this missense variant does not alter protein structure/function; Has not been previously published as pathogenic or benign to our knowledge

Fulgent Genetics
Classification: Uncertain significance for Hypokalemic periodic paralysis, type 1; Thyrotoxic periodic paralysis, susceptibility to, 1; Malignant hyperthermia, susceptibility to, 5; Congenital myopathy 18. Last evaluated: 2024-05-28. Review status: criteria provided, single submitter. Criteria: ACMG Guidelines, 2015. Collection method: clinical testing. Allele origin: germline.

Labcorp Genetics (formerly Invitae), Labcorp
Classification: Uncertain significance for Hypokalemic periodic paralysis, type 1; Malignant hyperthermia, susceptibility to, 5. Last evaluated: 2023-12-20. Review status: criteria provided, single submitter. Criteria: Invitae Variant Classification Sherloc (09022015). Collection method: clinical testing. Allele origin: germline.
Comment: This sequence change replaces threonine, which is neutral and polar, with serine, which is neutral and polar, at codon 1573 of the CACNA1S protein (p.Thr1573Ser). This variant is present in population databases (rs147007610, gnomAD 0.002%). This variant has not been reported in the literature in individuals affected with CACNA1S-related conditions. ClinVar contains an entry for this variant (Variation ID: 1470215). Advanced modeling of protein sequence and biophysical properties (such as structural, functional, and spatial information, amino acid conservation, physicochemical variation, residue mobility, and thermodynamic stability) performed at Invitae indicates that this missense variant is not expected to disrupt CACNA1S protein function with a negative predictive value of 80%. In summary, the available evidence is currently insufficient to determine the role of this variant in disease. Therefore, it has been classified as a Variant of Uncertain Significance.

Color Diagnostics, LLC DBA Color Health
Classification: Uncertain significance for Malignant hyperthermia, susceptibility to, 5. Last evaluated: 2023-11-15. Review status: criteria provided, single submitter. Criteria: ACMG Guidelines, 2015. Collection method: clinical testing. Allele origin: germline.
Comment: This missense variant replaces threonine with serine at codon 1573 of the CACNA1S protein. Computational prediction suggests that this variant may not impact protein structure and function. To our knowledge, functional studies have not been reported for this variant. This variant has not been reported in individuals affected with CACNA1S-related disorders in the literature. This variant has been identified in 2/251058 chromosomes in the general population by the Genome Aggregation Database (gnomAD). The available evidence is insufficient to determine the role of this variant in disease conclusively. Therefore, this variant is classified as a Variant of Uncertain Significance.

Genome-Nilou Lab
Classification: Uncertain significance for Malignant hyperthermia, susceptibility to, 5. Last evaluated: 2023-04-11. Review status: criteria provided, single submitter. Criteria: ACMG Guidelines, 2015. Collection method: clinical testing. Allele origin: germline. Affected: no.

Genome-Nilou Lab
Classification: Uncertain significance for Thyrotoxic periodic paralysis, susceptibility to, 1. Last evaluated: 2023-04-11. Review status: criteria provided, single submitter. Criteria: ACMG Guidelines, 2015. Collection method: clinical testing. Allele origin: germline. Affected: no.

Genome-Nilou Lab
Classification: Uncertain significance for Congenital myopathy 18. Last evaluated: 2023-04-11. Review status: criteria provided, single submitter. Criteria: ACMG Guidelines, 2015. Collection method: clinical testing. Allele origin: germline. Affected: no.

Genome-Nilou Lab
Classification: Uncertain significance for Hypokalemic periodic paralysis, type 1. Last evaluated: 2023-04-11. Review status: criteria provided, single submitter. Criteria: ACMG Guidelines, 2015. Collection method: clinical testing. Allele origin: germline. Affected: no.

Breakthrough Genomics
Classification: Uncertain significance. Review status: criteria provided, single submitter. Criteria: ACMG Guidelines, 2015. Collection method: not provided. Allele origin: germline. Inheritance: Autosomal dominant inheritance. Affected: yes.